The following is an entry in ClinVar:

NM_001376.5(DYNC1H1):c.13191C>G (p.His4397Gln)

Gene: DYNC1H1 (dynein cytoplasmic 1 heavy chain 1; plus strand). Cytogenetic location: 14q32.31.
Variant type: single nucleotide variant.
Coding change: c.13191C>G on transcript NM_001376.5 (MANE Select); coding-DNA position 13191, C replaced by G.
Protein change: p.His4397Gln; replaces histidine 4397 with glutamine.
Molecular consequence: missense variant.
Genome position (GRCh38, 1-based): chr14:102,048,001, C>G. VCF-style: chr14-102048001-C-G. GRCh37 (hg19) VCF-style: chr14-102514338-C-G.
Other names: short protein forms H4397Q.
Identifiers: ClinVar variation 5020387 (VCV005020387.1).
Genomic context (GRCh38, chr14:102,048,001, plus strand): 5'-GCGGACACTGCACACCACCGCGTCCAACTGGCTGCACCTCATCCCCCAGACGCTGAGCCA[C>G]CTCAAGCGCACCGTGGAGAATATCAAGGTAGCTGGGAGGGTGGCGGGCCGGCCAGGTCTC-3'
Protein context (NP_001367.2, residues 4387-4407): WLHLIPQTLS[His4397Gln]LKRTVENIKD

ClinVar aggregate classification (germline): Uncertain significance (1 of 4 stars; one submission).

Submission:

Dasa
Classification: Uncertain significance. Last evaluated: 2026-06-12. Review status: criteria provided, single submitter. Criteria: DASA Assertion Criteria. Collection method: clinical testing. Allele origin: germline.
Comment: NM_001376.5(DYNC1H1):c.13191C>G (p.His4397Gln) is a missense variant that results in the substitution of histidine with glutamine. This variant is rare in population databases. Computational prediction algorithms are consistent with a benign effect. The currently available literature and clinical evidence are not sufficient to establish a definitive association between this variant and the reported condition. Therefore, this variant is classified as a variant of uncertain significance.